The following is an entry in ClinVar:

NM_000336.3(SCNN1B):c.1751C>T (p.Ala584Val)

Gene: SCNN1B (sodium channel epithelial 1 subunit beta; plus strand). Cytogenetic location: 16p12.2.
Variant type: single nucleotide variant.
Coding change: c.1751C>T on transcript NM_000336.3 (MANE Select); coding-DNA position 1751, C replaced by T.
Protein change: p.Ala584Val; replaces alanine 584 with valine.
Molecular consequence: missense variant.
Genome position (GRCh38, 1-based): chr16:23,380,629, C>T. VCF-style: chr16-23380629-C-T. GRCh37 (hg19) VCF-style: chr16-23391950-C-T.
Other names: c.1643C>T, p.Ala548Val (NM_001410900.1); short protein forms A548V, A584V.
Identifiers: ClinVar variation 1810098 (VCV001810098.1), dbSNP rs1341735300, ClinGen allele CA395113789.

ClinVar aggregate classification (germline): Uncertain significance (1 of 4 stars; one submission).

Allele frequency attached by ClinVar (database versions not stated): gnomAD exomes below 0.00001; gnomAD 0.00001.
gnomAD v4.1: 4 of 1,613,502 alleles (0.00025%); highest among the groups gnomAD compares: African/African-American, 0.0027%; no homozygotes.

Submission:

GeneDx
Classification: Uncertain significance. Last evaluated: 2022-06-30. Review status: criteria provided, single submitter. Criteria: GeneDx Variant Classification Process June 2021. Collection method: clinical testing. Allele origin: germline. Affected: yes.
Comment: Not observed at significant frequency in large population cohorts (gnomAD); In silico analysis supports that this missense variant does not alter protein structure/function; Has not been previously published as pathogenic or benign to our knowledge; This variant is associated with the following publications: (PMID: ZHANG(article)2019)